The following is an entry in ClinVar:

ClinVar aggregate classification (germline): Uncertain significance (1 of 4 stars; one submission).

Conditions:
Multiple acyl-CoA dehydrogenase deficiency (MADD). Also called: Glutaric aciduria, type 2; ETHYLMALONIC-ADIPICACIDURIA; GA II; Glutaric Acidemia type 2; Glutaric acidemia type II; GA 2. Identifiers: Orphanet 26791, MedGen C0268596, MONDO:0009282, OMIM 231680.

Submission:

Labcorp Genetics (formerly Invitae), Labcorp
Classification: Uncertain significance for Multiple acyl-CoA dehydrogenase deficiency. Last evaluated: 2022-01-05. Review status: criteria provided, single submitter. Criteria: Invitae Variant Classification Sherloc (09022015). Collection method: clinical testing. Allele origin: germline.
Comment: In summary, the available evidence is currently insufficient to determine the role of this variant in disease. Therefore, it has been classified as a Variant of Uncertain Significance. Experimental studies and prediction algorithms are not available or were not evaluated, and the functional significance of this variant is currently unknown. This variant has not been reported in the literature in individuals affected with ETFB-related conditions. This variant results in a copy number gain of the genomic region encompassing exon(s) 3-6 of the ETFB gene. This region includes the termination codon of the gene. This copy number gain extends beyond the assayed region for this gene and therefore may encompass additional genes. As the precise location of this event is unknown, it may be in tandem or it may be located elsewhere in the genome.

NC_000019.9:g.(?_51848465)_(51856564_?)dup

Gene: ETFB (electron transfer flavoprotein subunit beta; minus strand). Cytogenetic location: 19q13.41.
Variant type: Duplication.
Identifiers: ClinVar variation 2424338 (VCV002424338.5).